The following is an entry in ClinVar:

ClinVar aggregate classification (germline): Pathogenic/Likely pathogenic. Review status: criteria provided, multiple submitters, no conflicts (2 of 4 stars). 6 submissions from 6 submitters: Pathogenic (4); Likely pathogenic (1). 1 of the submissions does not count toward it. Last evaluated 2024-04-08.

Conditions:
Wilson disease (WND). Also called: Wilson's disease. Identifiers: Orphanet 905, MedGen C0019202, MONDO:0010200, OMIM 277900. Disease mechanism: loss of function.

gnomAD v4.1: 8 of 1,614,088 alleles (0.0005%); highest among the groups gnomAD compares: East Asian, 0.018%; no homozygotes.

Submissions (6):

Fulgent Genetics
Classification: Likely pathogenic for Wilson disease. Last evaluated: 2024-04-08. Review status: criteria provided, single submitter. Criteria: ACMG Guidelines, 2015. Collection method: clinical testing. Allele origin: germline.

Women's Health and Genetics/Laboratory Corporation of America, LabCorp
Classification: Pathogenic for Wilson disease. Last evaluated: 2024-04-03. Review status: criteria provided, single submitter. Criteria: LabCorp Variant Classification Summary - May 2015. Collection method: clinical testing. Allele origin: germline.
Comment: Variant summary: ATP7B c.3104G>T (p.Gly1035Val) results in a non-conservative amino acid change located in the P-type ATPase, haloacid dehalogenase domain (IPR044492) of the encoded protein sequence. Five of five in-silico tools predict a damaging effect of the variant on protein function. The variant allele was found at a frequency of 4e-06 in 248810 control chromosomes (gnomAD). c.3104G>T has been reported in the literature as homozygous or compound heterozygous genotypes in multiple individuals affected with Wilson Disease (e.g. Tatsumi_2011, Katano_2014, Kyeong Kim_2022, Zhang_2022). These data indicate that the variant is very likely to be associated with disease. The following publications have been ascertained in the context of this evaluation (PMID: 25130000, 32539308, 21707886, 35220961). ClinVar contains an entry for this variant (Variation ID: 371021). Based on the evidence outlined above, the variant was classified as pathogenic.

Baylor Genetics
Classification: Pathogenic for Wilson disease. Last evaluated: 2023-12-12. Review status: criteria provided, single submitter. Criteria: ACMG Guidelines, 2015. Collection method: clinical testing. Allele origin: unknown.

Labcorp Genetics (formerly Invitae), Labcorp
Classification: Pathogenic for Wilson disease. Last evaluated: 2023-11-21. Review status: criteria provided, single submitter. Criteria: Invitae Variant Classification Sherloc (09022015). Collection method: clinical testing. Allele origin: germline.
Comment: This sequence change replaces glycine, which is neutral and non-polar, with valine, which is neutral and non-polar, at codon 1035 of the ATP7B protein (p.Gly1035Val). This variant is present in population databases (no rsID available, gnomAD 0.006%). This missense change has been observed in individual(s) with Wilson disease (PMID: 9311736, 10070620, 17587212, 21707886, 22940187). ClinVar contains an entry for this variant (Variation ID: 371021). Advanced modeling of protein sequence and biophysical properties (such as structural, functional, and spatial information, amino acid conservation, physicochemical variation, residue mobility, and thermodynamic stability) performed at Invitae indicates that this missense variant is expected to disrupt ATP7B protein function with a positive predictive value of 80%. Algorithms developed to predict the effect of sequence changes on RNA splicing suggest that this variant may create or strengthen a splice site. For these reasons, this variant has been classified as Pathogenic.

Genome-Nilou Lab
Classification: Pathogenic for Wilson disease. Last evaluated: 2021-08-10. Review status: criteria provided, single submitter. Criteria: ACMG Guidelines, 2015. Collection method: clinical testing. Allele origin: germline. Affected: no.

Counsyl
Classification: Likely pathogenic for Wilson disease. Last evaluated: 2016-06-14. Review status: no assertion criteria provided. Collection method: clinical testing. Allele origin: unknown. Not counted in ClinVar's aggregate classification.

Literature cited by the submitters: PubMed 25130000 (cited by Women's Health and Genetics/Laboratory Corporation of America, LabCorp and Counsyl); PubMed 32539308 (cited by Women's Health and Genetics/Laboratory Corporation of America, LabCorp); PubMed 21707886 (cited by Women's Health and Genetics/Laboratory Corporation of America, LabCorp and Labcorp Genetics (formerly Invitae), Labcorp); PubMed 35220961 (cited by Women's Health and Genetics/Laboratory Corporation of America, LabCorp); PubMed 9311736 (cited by Labcorp Genetics (formerly Invitae), Labcorp and Counsyl); PubMed 10070620 (cited by Labcorp Genetics (formerly Invitae), Labcorp and Counsyl); PubMed 17587212 (cited by Labcorp Genetics (formerly Invitae), Labcorp and Counsyl); PubMed 22940187 (cited by Labcorp Genetics (formerly Invitae), Labcorp and Counsyl); PubMed 22692182 (cited by Counsyl); PubMed 24253677 (cited by Counsyl); PubMed 22170460 (cited by Counsyl); PubMed 16495228 (cited by Counsyl); PubMed 9199563 (cited by Counsyl); PubMed 10453196 (cited by Counsyl); PubMed 27022412 (cited by Counsyl).

NM_000053.4(ATP7B):c.3104G>T (p.Gly1035Val)

Gene: ATP7B (ATPase copper transporting beta; minus strand). Cytogenetic location: 13q14.3.
Variant type: single nucleotide variant.
Coding change: c.3104G>T on transcript NM_000053.4 (MANE Select); coding-DNA position 3104, G replaced by T.
Protein change: p.Gly1035Val; replaces glycine 1035 with valine.
Molecular consequence: missense variant.
Genome position (GRCh38, 1-based): chr13:51,944,248, C>A on the plus strand (G>T on the coding strand, the complement: ATP7B is on the minus strand). VCF-style: chr13-51944248-C-A. GRCh37 (hg19) VCF-style: chr13-52518384-C-A.
Other names: c.2483G>T, p.Gly828Val (NM_001005918.3); c.2771G>T, p.Gly924Val (NM_001243182.2); c.2870G>T, p.Gly957Val (NM_001330578.2); c.2852G>T, p.Gly951Val (NM_001330579.2); short protein forms G1035V, G828V, G951V, G957V, G924V.
Identifiers: ClinVar variation 371021 (VCV000371021.17), dbSNP rs753594031, ClinGen allele CA16041666.